The following is an entry in ClinVar:

ClinVar aggregate classification (germline): Uncertain significance (1 of 4 stars; one submission).

Submission:

Labcorp Genetics (formerly Invitae), Labcorp
Classification: Uncertain significance. Last evaluated: 2023-09-17. Review status: criteria provided, single submitter. Criteria: Invitae Variant Classification Sherloc (09022015). Collection method: clinical testing. Allele origin: germline.
Comment: In summary, the available evidence is currently insufficient to determine the role of this variant in disease. Therefore, it has been classified as a Variant of Uncertain Significance. Advanced modeling of protein sequence and biophysical properties (such as structural, functional, and spatial information, amino acid conservation, physicochemical variation, residue mobility, and thermodynamic stability) performed at Invitae indicates that this missense variant is expected to disrupt NSD1 protein function. ClinVar contains an entry for this variant (Variation ID: 2003622). This variant has not been reported in the literature in individuals affected with NSD1-related conditions. This variant is not present in population databases (gnomAD no frequency). This sequence change replaces glutamine, which is neutral and polar, with glutamic acid, which is acidic and polar, at codon 391 of the NSD1 protein (p.Gln391Glu).

NM_022455.5(NSD1):c.1171C>G (p.Gln391Glu)

Gene: NSD1 (nuclear receptor binding SET domain protein 1; plus strand). Cytogenetic location: 5q35.3.
Variant type: single nucleotide variant.
Coding change: c.1171C>G on transcript NM_022455.5 (MANE Select); coding-DNA position 1171, C replaced by G.
Protein change: p.Gln391Glu; replaces glutamine 391 with glutamic acid.
Molecular consequence: missense variant.
Genome position (GRCh38, 1-based): chr5:177,204,227, C>G. VCF-style: chr5-177204227-C-G. GRCh37 (hg19) VCF-style: chr5-176631228-C-G.
Other names: c.298C>G, p.Gln100Glu (NM_001365684.2, NM_001409306.1, NM_001409307.1 and 3 more transcripts); c.1171C>G, p.Gln391Glu (NM_001409301.1, NM_001409302.1, NM_001409303.1); c.751C>G, p.Gln251Glu (NM_001409304.1); c.418C>G, p.Gln140Glu (NM_001409305.1); short protein forms Q122E, Q140E, Q251E, Q100E, Q391E.
Identifiers: ClinVar variation 2003622 (VCV002003622.4), dbSNP rs2149836283, ClinGen allele CA362304895.